The following is an entry in ClinVar:

ClinVar aggregate classification (germline): Likely benign (1 of 4 stars; one submission).

Submission:

CeGaT Center for Human Genetics Tuebingen
Classification: Likely benign. Last evaluated: 2026-06-01. Review status: criteria provided, single submitter. Criteria: CeGaT Center For Human Genetics Tuebingen Variant Classification Criteria Version 2. Collection method: clinical testing. Allele origin: germline. Affected: yes. Observed: 1 variant allele.
Comment: HYDIN: BP4, BP7

NM_001270974.2(HYDIN):c.6726G>A (p.Gln2242=)

Gene: HYDIN (HYDIN axonemal central pair apparatus protein; minus strand). Cytogenetic location: 16q22.2.
Variant type: single nucleotide variant.
Coding change: c.6726G>A on transcript NM_001270974.2 (MANE Select); coding-DNA position 6726, G replaced by A.
Protein change: p.Gln2242=; no amino-acid change (glutamine 2242 retained).
Molecular consequence: synonymous variant.
Genome position (GRCh38, 1-based): chr16:70,941,763, C>T on the plus strand (G>A on the coding strand, the complement: HYDIN is on the minus strand). VCF-style: chr16-70941763-C-T. GRCh37 (hg19) VCF-style: chr16-70975666-C-T.
Identifiers: ClinVar variation 4874091 (VCV004874091.2).